The following is an entry in ClinVar:

NM_001346754.2(PIGW):c.491C>T (p.Thr164Ile)

Genes: MYO19 (myosin XIX; minus strand), PIGW (phosphatidylinositol glycan anchor biosynthesis class W; plus strand). Cytogenetic location: 17q12.
Variant type: single nucleotide variant.
Coding change: c.491C>T on transcript NM_001346754.2 (MANE Select); coding-DNA position 491, C replaced by T.
Protein change: p.Thr164Ile; replaces threonine 164 with isoleucine.
Molecular consequence: missense variant.
Genome position (GRCh38, 1-based): chr17:36,537,592, C>T. VCF-style: chr17-36537592-C-T. GRCh37 (hg19) VCF-style: chr17-34893441-C-T.
Other names: c.491C>T, p.Thr164Ile (NM_001346755.2, NM_178517.5); short protein forms T164I.
Identifiers: ClinVar variation 1501063 (VCV001501063.4), dbSNP rs543242274, ClinGen allele CA290115973.
Genomic context (GRCh38, chr17:36,537,592, plus strand): 5'-TTTTGGCTGTGGACTTCCCACTTTTTCCCAGAAGATTTGCCAAAACTGAGCTCTATGGGA[C>T]AGGAGCAATGGATTTTGGAGTAGGTGGCTTTGTTTTTGGGTCTGCAATGGTTTGTCTAGA-3'
Protein context (NP_001333683.1, residues 154-174): RRFAKTELYG[Thr164Ile]GAMDFGVGGF

ClinVar aggregate classification (germline): Uncertain significance (1 of 4 stars; one submission).

Conditions:
Hyperphosphatasia with intellectual disability syndrome 5 (GPIBD11). Also called: GLYCOSYLPHOSPHATIDYLINOSITOL BIOSYNTHESIS DEFECT 11. Identifiers: Orphanet 247262, MedGen C4014958, MONDO:0014457, OMIM 616025.

Allele frequency attached by ClinVar (database versions not stated): gnomAD 0.00003; gnomAD exomes 0.00009; ExAC 0.00012; 1000 Genomes Project 30x 0.00031; 1000 Genomes Project 0.00040.
gnomAD v4.1: 57 of 1,614,138 alleles (0.0035%); highest among the groups gnomAD compares: South Asian, 0.06%; no homozygotes.

Submission:

Labcorp Genetics (formerly Invitae), Labcorp
Classification: Uncertain significance for Hyperphosphatasia with intellectual disability syndrome 5. Last evaluated: 2022-01-31. Review status: criteria provided, single submitter. Criteria: Invitae Variant Classification Sherloc (09022015). Collection method: clinical testing. Allele origin: germline.
Comment: In summary, the available evidence is currently insufficient to determine the role of this variant in disease. Therefore, it has been classified as a Variant of Uncertain Significance. Algorithms developed to predict the effect of missense changes on protein structure and function output the following: SIFT: "Tolerated"; PolyPhen-2: "Benign"; Align-GVGD: "Class C0". The isoleucine amino acid residue is found in multiple mammalian species, which suggests that this missense change does not adversely affect protein function. This variant has not been reported in the literature in individuals affected with PIGW-related conditions. This variant is present in population databases (rs543242274, gnomAD 0.08%). This sequence change replaces threonine, which is neutral and polar, with isoleucine, which is neutral and non-polar, at codon 164 of the PIGW protein (p.Thr164Ile).